The following is an entry in ClinVar:

ClinVar aggregate classification (germline): Uncertain significance. Review status: criteria provided, multiple submitters, no conflicts (2 of 4 stars). 3 submissions from 3 submitters: Uncertain significance (3). Last evaluated 2026-01-22.

Conditions:
Cardiovascular phenotype. Identifiers: MedGen CN230736.

Allele frequency attached by ClinVar (database versions not stated): ExAC 0.00011; 1000 Genomes Project 30x 0.00016; TOPMed 0.00017; 1000 Genomes Project 0.00020; gnomAD 0.00021; ESP Exome Variant Server 0.00051.
gnomAD v4.1: 85 of 1,613,146 alleles (0.0053%); highest among the groups gnomAD compares: African/African-American, 0.061%; no homozygotes.

Submissions (3):

GeneDx
Classification: Uncertain significance. Last evaluated: 2026-01-22. Review status: criteria provided, single submitter. Criteria: GeneDx Variant Classification Process June 2021. Collection method: clinical testing. Allele origin: germline.
Comment: In silico analysis supports that this missense variant has a deleterious effect on protein structure/function; Has not been previously published as pathogenic or benign to our knowledge

Mayo Clinic Laboratories, Mayo Clinic
Classification: Uncertain significance. Last evaluated: 2024-09-25. Review status: criteria provided, single submitter. Criteria: ACMG Guidelines, 2015. Collection method: clinical testing. Allele origin: germline. Observed: 1 variant allele.
Comment: BP4

Ambry Genetics
Classification: Uncertain significance for Cardiovascular phenotype. Last evaluated: 2021-04-01. Review status: criteria provided, single submitter. Criteria: Ambry Variant Classification Scheme 2023. Collection method: clinical testing. Allele origin: germline.
Comment: The p.R2305C variant (also known as c.6913C>T), located in coding exon 19 of the TNXB gene, results from a C to T substitution at nucleotide position 6913. The arginine at codon 2305 is replaced by cysteine, an amino acid with highly dissimilar properties. This amino acid position is not well conserved in available vertebrate species. In addition, this alteration is predicted to be tolerated by in silico analysis. Since supporting evidence is limited at this time, the clinical significance of this alteration remains unclear.

NM_001365276.2(TNXB):c.6913C>T (p.Arg2305Cys)

Gene: TNXB (tenascin XB; minus strand). Cytogenetic location: 6p21.33.
Variant type: single nucleotide variant.
Coding change: c.6913C>T on transcript NM_001365276.2 (MANE Select); coding-DNA position 6913, C replaced by T.
Protein change: p.Arg2305Cys; replaces arginine 2305 with cysteine.
Molecular consequence: missense variant.
Genome position (GRCh38, 1-based): chr6:32,062,412, G>A on the plus strand (C>T on the coding strand, the complement: TNXB is on the minus strand). VCF-style: chr6-32062412-G-A. GRCh37 (hg19) VCF-style: chr6-32030189-G-A.
Other names: p.Arg2305Cys; c.6913C>T, p.Arg2305Cys (NM_019105.8); short protein forms R2305C.
Identifiers: ClinVar variation 1756137 (VCV001756137.4), dbSNP rs185625145, ClinGen allele CA3734300.
Genomic context (GRCh38, chr6:32,062,412, plus strand): 5'-CCGTCCAGGACAGGCTGAGGGAGTCAGGGGTCGCATCTGTCACGGTCAGCTCCTCCAGGC[G>A]AGGCTTGATGGGGGGTTCAGGGGTGGGAGGTTCTGTCGAGGCTGGGGCCATTTCTTCATC-3'
Protein context (NP_001352205.1, residues 2295-2315): PPTPEPPIKP[Arg2305Cys]LEELTVTDAT